The following is an entry in ClinVar:

NM_130797.4(DPP6):c.627+21101A>G

Gene: DPP6 (dipeptidyl peptidase like 6; plus strand). Cytogenetic location: 7q36.2.
Variant type: single nucleotide variant.
Coding change: c.627+21101A>G on transcript NM_130797.4 (MANE Select); 21101 bases into the intron after coding-DNA position 627, A replaced by G.
Molecular consequence: genic downstream transcript variant. On other transcripts: missense variant (1), 3 prime UTR variant (1).
Genome position (GRCh38, 1-based): chr7:154,588,017, A>G. VCF-style: chr7-154588017-A-G. GRCh37 (hg19) VCF-style: chr7-154379727-A-G.
Other names: c.995A>G, p.His332Arg (NM_001290253.2); c.*843A>G (NM_001364502.2); c.444+21101A>G (NM_001364500.2, NM_001364499.2, NM_001364497.2 and 1 more transcripts); c.435+21101A>G (NM_001364501.2, NM_001039350.3); c.441+21101A>G (NM_001936.5, NM_001290252.2); short protein forms H332R.
Identifiers: ClinVar variation 802383 (VCV000802383.29), dbSNP rs117574002, ClinGen allele CA4583224.
Genomic context (GRCh38, chr7:154,588,017, plus strand): 5'-CTGCAGCCCTCAGGCAGCACTGTCCATTGTCATACGAGTGTGGCAGGTGTGAGGCATCGC[A>G]TCTGCTCACCCCGGGGATAATGCACAGCAGCTACAGGCAGATTTCGGGCCAGAGAGCAAC-3'

ClinVar aggregate classification (germline): Conflicting classifications of pathogenicity. Review status: criteria provided, conflicting classifications (1 of 4 stars). 5 submissions from 5 submitters: Uncertain significance (2); Benign (1). 2 of the submissions do not count toward it. Last evaluated 2025-12-01.

Conditions:
Intellectual developmental disorder, autosomal dominant 33. Also called: Intellectual disability, autosomal dominant 33. Identifiers: MedGen C4225375, MONDO:0014580, OMIM 616311.

Allele frequency attached by ClinVar (database versions not stated): 1000 Genomes Project 30x 0.00234; TOPMed 0.00354; 1000 Genomes Project 0.00180; gnomAD exomes 0.00320; ExAC 0.00317; gnomAD 0.00352 and 0.00365; ESP Exome Variant Server 0.00471.
gnomAD v4.1: 8,705 of 1,612,816 alleles (0.54%); highest among the groups gnomAD compares: Non-Finnish European, 0.68%; 26 homozygotes.

Submissions (5):

CeGaT Center for Human Genetics Tuebingen
Classification: Benign. Last evaluated: 2025-12-01. Review status: criteria provided, single submitter. Criteria: CeGaT Center For Human Genetics Tuebingen Variant Classification Criteria Version 2. Collection method: clinical testing. Allele origin: germline. Affected: yes. Observed: 21 variant alleles.
Comment: DPP6: BP4, BS1, BS2

Mendelics
Classification: Uncertain significance for Intellectual developmental disorder, autosomal dominant 33. Last evaluated: 2019-05-28. Review status: criteria provided, single submitter. Criteria: Mendelics Assertion Criteria 2017. Collection method: clinical testing. Allele origin: unknown.

Breakthrough Genomics
Classification: Uncertain significance. Review status: criteria provided, single submitter. Criteria: ACMG Guidelines, 2015. Collection method: not provided. Allele origin: germline. Inheritance: Autosomal recessive inheritance. Affected: yes.

Clinical Genetics, Academic Medical Center
Classification: Likely benign. Review status: no assertion criteria provided. Collection method: clinical testing. Allele origin: germline. Affected: yes. Study: VKGL Data-share Consensus. Not counted in ClinVar's aggregate classification.

Joint Genome Diagnostic Labs from Nijmegen and Maastricht, Radboudumc and MUMC+
Classification: Benign. Review status: no assertion criteria provided. Collection method: clinical testing. Allele origin: germline. Affected: yes. Study: VKGL Data-share Consensus. Not counted in ClinVar's aggregate classification.